The following is an entry in ClinVar:

ClinVar aggregate classification (germline): Pathogenic (1 of 4 stars; one submission).

Conditions:
Neurofibromatosis, type 1 (NF1). Also called: VON RECKLINGHAUSEN DISEASE; NEUROFIBROMATOSIS, TYPE I, SOMATIC; Neurofibromatosis, type I; Peripheral type neurofibromatosis. Identifiers: Orphanet 636, MedGen C0027831, MONDO:0018975, OMIM 162200. Disease mechanism: loss of function.

Submission:

Labcorp Genetics (formerly Invitae), Labcorp
Classification: Pathogenic for Neurofibromatosis, type 1. Last evaluated: 2022-11-15. Review status: criteria provided, single submitter. Criteria: Invitae Variant Classification Sherloc (09022015). Collection method: clinical testing. Allele origin: germline.
Comment: For these reasons, this variant has been classified as Pathogenic. This variant has not been reported in the literature in individuals affected with NF1-related conditions. This variant is not present in population databases (gnomAD no frequency). This sequence change creates a premature translational stop signal (p.Cys1661*) in the NF1 gene. It is expected to result in an absent or disrupted protein product. Loss-of-function variants in NF1 are known to be pathogenic (PMID: 10712197, 23913538).

Literature cited by the submitters: PubMed 10712197; PubMed 23913538.

NM_001042492.3(NF1):c.5046T>A (p.Cys1682Ter)

Gene: NF1 (neurofibromin 1; plus strand). Cytogenetic location: 17q11.2.
Variant type: single nucleotide variant.
Coding change: c.5046T>A on transcript NM_001042492.3 (MANE Select); coding-DNA position 5046, T replaced by A.
Protein change: p.Cys1682Ter; replaces cysteine 1682 with a stop codon.
Molecular consequence: nonsense.
Genome position (GRCh38, 1-based): chr17:31,326,030, T>A. VCF-style: chr17-31326030-T-A. GRCh37 (hg19) VCF-style: chr17-29653048-T-A.
Other names: c.4983T>A, p.Cys1661Ter (NM_000267.4); short protein forms C1661*, C1682*.
Identifiers: ClinVar variation 2029280 (VCV002029280.4), dbSNP rs1597829912, ClinGen allele CA399007389.